The following is an entry in ClinVar:

NM_001184.4(ATR):c.2191C>A (p.Pro731Thr)

Gene: ATR (ATR checkpoint kinase; minus strand). Cytogenetic location: 3q23.
Variant type: single nucleotide variant.
Coding change: c.2191C>A on transcript NM_001184.4 (MANE Select); coding-DNA position 2191, C replaced by A.
Protein change: p.Pro731Thr; replaces proline 731 with threonine.
Molecular consequence: missense variant.
Genome position (GRCh38, 1-based): chr3:142,556,027, G>T on the plus strand (C>A on the coding strand, the complement: ATR is on the minus strand). VCF-style: chr3-142556027-G-T. GRCh37 (hg19) VCF-style: chr3-142274869-G-T.
Other names: c.1999C>A, p.Pro667Thr (NM_001354579.2); short protein forms P667T, P731T.
Identifiers: ClinVar variation 1787427 (VCV001787427.3), dbSNP rs765704773, ClinGen allele CA354818798.

ClinVar aggregate classification (germline): Uncertain significance (1 of 4 stars; one submission).

Conditions:
Inborn genetic diseases. Identifiers: MedGen C0950123, MeSH D030342.

Submission:

Ambry Genetics
Classification: Uncertain significance for Inborn genetic diseases. Last evaluated: 2023-07-26. Review status: criteria provided, single submitter. Criteria: Ambry Variant Classification Scheme 2023. Collection method: clinical testing. Allele origin: germline.
Comment: The p.P731T variant (also known as c.2191C>A), located in coding exon 10 of the ATR gene, results from a C to A substitution at nucleotide position 2191. The proline at codon 731 is replaced by threonine, an amino acid with highly similar properties. This amino acid position is conserved. In addition, this alteration is predicted to be tolerated by in silico analysis. Since supporting evidence is limited at this time, the clinical significance of this alteration remains unclear.